The following is an entry in ClinVar:

NM_004560.4(ROR2):c.2727G>A (p.Val909=)

Gene: ROR2 (receptor tyrosine kinase like orphan receptor 2; minus strand). Cytogenetic location: 9q22.31.
Variant type: single nucleotide variant.
Coding change: c.2727G>A on transcript NM_004560.4 (MANE Select); coding-DNA position 2727, G replaced by A.
Protein change: p.Val909=; no amino-acid change (valine 909 retained).
Molecular consequence: synonymous variant.
Genome position (GRCh38, 1-based): chr9:91,723,767, C>T on the plus strand (G>A on the coding strand, the complement: ROR2 is on the minus strand). VCF-style: chr9-91723767-C-T. GRCh37 (hg19) VCF-style: chr9-94486049-C-T.
Identifiers: ClinVar variation 287691 (VCV000287691.21), dbSNP rs56091954, ClinGen allele CA5120322.
Genomic context (GRCh38, chr9:91,723,767, plus strand): 5'-ACAGTCCCCCAGCAGCTCAGTCTCTGGGACAGAGCCTTCCTCCTCCTCCTCTGCTTCCTG[C>T]ACGGTGCTCTGGGCCCCATCTTCTGGGGCGTTCTGTGTGTCATCAGCGCCCTCTGAGAGC-3'
Protein context (NP_004551.2, residues 899-919): NAPEDGAQST[Val909=]QEAEEEEEGS

ClinVar aggregate classification (germline): Benign. Review status: criteria provided, multiple submitters, no conflicts (2 of 4 stars). 6 submissions from 5 submitters: Benign (6). Last evaluated 2026-01-22.

Conditions:
Autosomal recessive Robinow syndrome (RRS1). Also called: COSTOVERTEBRAL SEGMENTATION DEFECT WITH MESOMELIA; COVESDEM SYNDROME; ROBINOW SYNDROME, AUTOSOMAL RECESSIVE 1; ROR2-Related Robinow Syndrome. Identifiers: Orphanet 1507, Orphanet 97360, MedGen C5399974, MONDO:0009999, OMIM 268310.
Brachydactyly type B1 (BDB1). Identifiers: Orphanet 572385, Orphanet 93383, MedGen C1862112, MONDO:0007220, OMIM 113000.

Allele frequency attached by ClinVar (database versions not stated): gnomAD exomes 0.00115; ExAC 0.00360; gnomAD 0.01179 and 0.01249; TOPMed 0.01309; ESP Exome Variant Server 0.01438; 1000 Genomes Project 0.01458; 1000 Genomes Project 30x 0.01655.
gnomAD v4.1: 3,542 of 1,613,806 alleles (0.22%); highest among the groups gnomAD compares: African/African-American, 4.2%; 67 homozygotes.

Submissions (6):

Labcorp Genetics (formerly Invitae), Labcorp
Classification: Benign. Last evaluated: 2026-01-22. Review status: criteria provided, single submitter. Criteria: Invitae Variant Classification Sherloc (09022015). Collection method: clinical testing. Allele origin: germline.

GeneDx
Classification: Benign. Last evaluated: 2020-02-24. Review status: criteria provided, single submitter. Criteria: GeneDx Variant Classification Process June 2021. Collection method: clinical testing. Allele origin: germline. Affected: yes.

Illumina Laboratory Services, Illumina
Classification: Benign for Autosomal recessive Robinow syndrome. Last evaluated: 2018-01-13. Review status: criteria provided, single submitter. Criteria: ICSL Variant Classification Criteria 13 December 2019. Collection method: clinical testing. Allele origin: germline.
Comment: This variant was observed in the ICSL laboratory as part of a predisposition screen in an ostensibly healthy population. It had not been previously curated by ICSL or reported in the Human Gene Mutation Database (HGMD: prior to June 1st, 2018), and was therefore a candidate for classification through an automated scoring system. Utilizing variant allele frequency, disease prevalence and penetrance estimates, and inheritance mode, an automated score was calculated to assess if this variant is too frequent to cause the disease. Based on the score and internal cut-off values, a variant classified as benign is not then subjected to further curation. The score for this variant resulted in a classification of benign for this disease.

Illumina Laboratory Services, Illumina
Classification: Benign for Brachydactyly type B1. Last evaluated: 2018-01-13. Review status: criteria provided, single submitter. Criteria: ICSL Variant Classification Criteria 13 December 2019. Collection method: clinical testing. Allele origin: germline.
Comment: the same text as in the submission from Illumina Laboratory Services, Illumina above.

Eurofins Ntd Llc (ga)
Classification: Benign. Last evaluated: 2016-05-12. Review status: criteria provided, single submitter. Criteria: EGL Classification Definitions 2015. Collection method: clinical testing. Allele origin: germline. Observed: 1 variant allele, 1 heterozygote.

Breakthrough Genomics
Classification: Benign. Review status: criteria provided, single submitter. Criteria: ACMG Guidelines, 2015. Collection method: not provided. Allele origin: germline. Inheritance: Autosomal recessive inheritance. Affected: yes.